The following is an entry in ClinVar:

NM_032242.4(PLXNA1):c.4242C>T (p.Asp1414=)

Gene: PLXNA1 (plexin A1; plus strand). Cytogenetic location: 3q21.3.
Variant type: single nucleotide variant.
Coding change: c.4242C>T on transcript NM_032242.4 (MANE Select); coding-DNA position 4242, C replaced by T.
Protein change: p.Asp1414=; no amino-acid change (aspartic acid 1414 retained).
Molecular consequence: synonymous variant.
Genome position (GRCh38, 1-based): chr3:127,022,288, C>T. VCF-style: chr3-127022288-C-T. GRCh37 (hg19) VCF-style: chr3-126741131-C-T.
Identifiers: ClinVar variation 3352111 (VCV003352111.1).

ClinVar aggregate classification (germline): Likely benign (0 of 4 stars; one submission).

Conditions:
PLXNA1-related disorder. Also called: PLXNA1-related condition.

gnomAD v4.1: 37 of 1,613,194 alleles (0.0023%); highest among the groups gnomAD compares: East Asian, 0.065%; no homozygotes.

Submission:

PreventionGenetics, part of Exact Sciences
Classification: Likely benign for PLXNA1-related condition. Last evaluated: 2019-06-25. Review status: no assertion criteria provided. Collection method: clinical testing. Allele origin: germline.
Comment: This variant is classified as likely benign based on ACMG/AMP sequence variant interpretation guidelines (Richards et al. 2015 PMID: 25741868, with internal and published modifications).